The following is an entry in ClinVar:

NM_018834.6(MATR3):c.2327C>T (p.Pro776Leu)

Gene: MATR3 (matrin 3; plus strand). Cytogenetic location: 5q31.2.
Variant type: single nucleotide variant.
Coding change: c.2327C>T on transcript NM_018834.6 (MANE Select); coding-DNA position 2327, C replaced by T.
Protein change: p.Pro776Leu; replaces proline 776 with leucine.
Molecular consequence: missense variant.
Genome position (GRCh38, 1-based): chr5:139,325,618, C>T. VCF-style: chr5-139325618-C-T. GRCh37 (hg19) VCF-style: chr5-138661307-C-T.
Other names: c.2327C>T, p.Pro776Leu (NM_001194954.2, NM_001194955.2, NM_001400447.1 and 11 more transcripts); c.1463C>T, p.Pro488Leu (NM_001194956.2); c.1313C>T, p.Pro438Leu (NM_001282278.2, NM_001400462.1, NM_001400463.1 and 4 more transcripts); c.2471C>T, p.Pro824Leu (NM_001400441.1, NM_001400442.1, NM_001400443.1 and 2 more transcripts); c.1466C>T, p.Pro489Leu (NM_001400459.1); c.1457C>T, p.Pro486Leu (NM_001400460.1); c.1427C>T, p.Pro476Leu (NM_001400461.1); c.2327C>T (NM_199189.2); short protein forms P476L, P486L, P824L, P488L, P776L, P438L, P489L.
Identifiers: ClinVar variation 2745372 (VCV002745372.4), dbSNP rs2546884749, ClinGen allele CA361146593.

ClinVar aggregate classification (germline): Uncertain significance. Review status: criteria provided, multiple submitters, no conflicts (2 of 4 stars). 2 submissions from 2 submitters: Uncertain significance (2). Last evaluated 2025-07-08.

Conditions:
Amyotrophic lateral sclerosis type 21. Also called: MYOPATHY, DISTAL, 2; VOCAL CORD AND PHARYNGEAL DYSFUNCTION WITH DISTAL MYOPATHY. Identifiers: Orphanet 600, Orphanet 803, MedGen C3807521, MONDO:0011632, OMIM 606070.

Submissions (2):

GeneDx
Classification: Uncertain significance. Last evaluated: 2025-07-08. Review status: criteria provided, single submitter. Criteria: GeneDx Variant Classification Process June 2021. Collection method: clinical testing. Allele origin: germline. Affected: yes.
Comment: Not observed at significant frequency in large population cohorts (gnomAD); In silico analysis suggests that this missense variant does not alter protein structure/function; Has not been previously published as pathogenic or benign to our knowledge

Labcorp Genetics (formerly Invitae), Labcorp
Classification: Uncertain significance for Amyotrophic lateral sclerosis type 21. Last evaluated: 2023-05-28. Review status: criteria provided, single submitter. Criteria: Invitae Variant Classification Sherloc (09022015). Collection method: clinical testing. Allele origin: germline.
Comment: In summary, the available evidence is currently insufficient to determine the role of this variant in disease. Therefore, it has been classified as a Variant of Uncertain Significance. Advanced modeling of protein sequence and biophysical properties (such as structural, functional, and spatial information, amino acid conservation, physicochemical variation, residue mobility, and thermodynamic stability) performed at Invitae indicates that this missense variant is not expected to disrupt MATR3 protein function. This variant has not been reported in the literature in individuals affected with MATR3-related conditions. This variant is not present in population databases (gnomAD no frequency). This sequence change replaces proline, which is neutral and non-polar, with leucine, which is neutral and non-polar, at codon 776 of the MATR3 protein (p.Pro776Leu).